The following is an entry in ClinVar:

NM_177438.3(DICER1):c.5217G>C (p.Leu1739=)

Gene: DICER1 (dicer 1, ribonuclease III; minus strand). Cytogenetic location: 14q32.13.
Variant type: single nucleotide variant.
Coding change: c.5217G>C on transcript NM_177438.3 (MANE Select); coding-DNA position 5217, G replaced by C.
Protein change: p.Leu1739=; no amino-acid change (leucine 1739 retained).
Molecular consequence: synonymous variant.
Genome position (GRCh38, 1-based): chr14:95,094,035, C>G on the plus strand (G>C on the coding strand, the complement: DICER1 is on the minus strand). VCF-style: chr14-95094035-C-G. GRCh37 (hg19) VCF-style: chr14-95560372-C-G.
Other names: c.5217G>C, p.Leu1739= (NM_001195573.1, NM_001271282.3, NM_001291628.2 and 1 more transcripts).
Identifiers: ClinVar variation 886938 (VCV000886938.16), dbSNP rs774703353, ClinGen allele CA7330701.

ClinVar aggregate classification (germline): Conflicting classifications of pathogenicity. Review status: criteria provided, conflicting classifications (1 of 4 stars). 5 submissions from 5 submitters: Uncertain significance (1); Benign (1); Likely benign (3). Last evaluated 2026-04-20.

Conditions:
DICER1-related tumor predisposition. Also called: DICER1 syndrome; DICER1-related pleuropulmonary blastoma cancer predisposition syndrome. Identifiers: Orphanet 284343, MedGen C3839822, MONDO:0100216.
Hereditary cancer-predisposing syndrome. Also called: Neoplastic Syndromes, Hereditary; Tumor predisposition; Hereditary neoplastic syndrome; Hereditary Cancer Syndrome. Identifiers: Orphanet 140162, MedGen C0027672, MeSH D009386, MONDO:0015356.

Allele frequency attached by ClinVar (database versions not stated): ExAC 0.00002; gnomAD exomes 0.00001.

Submissions (5):

Myriad Genetics, Inc.
Classification: Benign for DICER1-related tumor predisposition. Last evaluated: 2026-04-20. Review status: criteria provided, single submitter. Criteria: Myriad Autosomal Dominant, Autosomal Recessive and X-Linked Classification Criteria (2023). Collection method: clinical testing. Allele origin: unknown.
Comment: This variant is considered benign. This variant is a silent/synonymous amino acid change and it is not expected to impact splicing.

Labcorp Genetics (formerly Invitae), Labcorp
Classification: Likely benign for DICER1-related tumor predisposition. Last evaluated: 2025-07-31. Review status: criteria provided, single submitter. Criteria: Invitae Variant Classification Sherloc (09022015). Collection method: clinical testing. Allele origin: germline.

Hereditary Cancer Group, L’Institut d'Investigació Biomèdica de Bellvitge
Classification: Uncertain significance for Hereditary cancer-predisposing syndrome. Last evaluated: 2024-12-19. Review status: criteria provided, single submitter. Criteria: Hatton et al. (Hum Mutat. 2023). Collection method: clinical testing. Allele origin: germline. Inheritance: Autosomal dominant inheritance. Affected: yes.
Comment: BP4

Ambry Genetics
Classification: Likely benign for Hereditary cancer-predisposing syndrome. Last evaluated: 2020-08-07. Review status: criteria provided, single submitter. Criteria: Ambry Variant Classification Scheme 2023. Collection method: clinical testing. Allele origin: germline.

Illumina Laboratory Services, Illumina
Classification: Likely benign for Pleuropulmonary blastoma. Last evaluated: 2018-01-12. Review status: criteria provided, single submitter. Criteria: ICSL Variant Classification Criteria 13 December 2019. Collection method: clinical testing. Allele origin: germline.
Comment: This variant was observed in the ICSL laboratory as part of a predisposition screen in an ostensibly healthy population. It had not been previously curated by ICSL or reported in the Human Gene Mutation Database (HGMD: prior to June 1st, 2018), and was therefore a candidate for classification through an automated scoring system. Utilizing variant allele frequency, disease prevalence and penetrance estimates, and inheritance mode, an automated score was calculated to assess if this variant is too frequent to cause the disease. Based on the score and internal cut-off values, a variant classified as likely benign is not then subjected to further curation. The score for this variant resulted in a classification of likely benign for this disease.